The following is an entry in ClinVar:

NM_053025.4(MYLK):c.2612G>C (p.Gly871Ala)

Gene: MYLK (myosin light chain kinase; minus strand). Cytogenetic location: 3q21.1.
Variant type: single nucleotide variant.
Coding change: c.2612G>C on transcript NM_053025.4 (MANE Select); coding-DNA position 2612, G replaced by C.
Protein change: p.Gly871Ala; replaces glycine 871 with alanine.
Molecular consequence: missense variant.
Genome position (GRCh38, 1-based): chr3:123,700,856, C>G on the plus strand (G>C on the coding strand, the complement: MYLK is on the minus strand). VCF-style: chr3-123700856-C-G. GRCh37 (hg19) VCF-style: chr3-123419703-C-G.
Other names: c.2084G>C, p.Gly695Ala (NM_001321309.2); c.2405G>C, p.Gly802Ala (NM_053026.4, NM_053028.4); c.2612G>C, p.Gly871Ala (NM_053027.4); c.2612G>C (NM_053025.3); short protein forms G695A, G871A, G802A.
Identifiers: ClinVar variation 1420599 (VCV001420599.7), dbSNP rs1358465403, ClinGen allele CA354232099.

ClinVar aggregate classification (germline): Uncertain significance. Review status: criteria provided, multiple submitters, no conflicts (2 of 4 stars). 2 submissions from 2 submitters: Uncertain significance (2). Last evaluated 2025-08-13.

Conditions:
Familial thoracic aortic aneurysm and aortic dissection (TAAD). Also called: Thoracic aortic aneurysms and dissections. Identifiers: Orphanet 91387, MedGen C4707243, MONDO:0019625.
Aortic aneurysm, familial thoracic 7 (AAT7). Also called: AORTIC DISSECTION, FAMILIAL, WITH OR WITHOUT AORTIC ANEURYSM. Identifiers: MedGen C3151077, MONDO:0013418, OMIM 613780.

Allele frequency attached by ClinVar (database versions not stated): gnomAD exomes below 0.00001.

Submissions (2):

Labcorp Genetics (formerly Invitae), Labcorp
Classification: Uncertain significance for Aortic aneurysm, familial thoracic 7. Last evaluated: 2025-08-13. Review status: criteria provided, single submitter. Criteria: Invitae Variant Classification Sherloc (09022015). Collection method: clinical testing. Allele origin: germline.
Comment: This sequence change replaces glycine, which is neutral and non-polar, with alanine, which is neutral and non-polar, at codon 871 of the MYLK protein (p.Gly871Ala). This variant is present in population databases (no rsID available, gnomAD 0.0009%). This variant has not been reported in the literature in individuals affected with MYLK-related conditions. ClinVar contains an entry for this variant (Variation ID: 1420599). Invitae Evidence Modeling of protein sequence and biophysical properties (such as structural, functional, and spatial information, amino acid conservation, physicochemical variation, residue mobility, and thermodynamic stability) indicates that this missense variant is not expected to disrupt MYLK protein function with a negative predictive value of 80%. In summary, the available evidence is currently insufficient to determine the role of this variant in disease. Therefore, it has been classified as a Variant of Uncertain Significance.

Ambry Genetics
Classification: Uncertain significance for Familial thoracic aortic aneurysm and aortic dissection. Last evaluated: 2025-05-03. Review status: criteria provided, single submitter. Criteria: Ambry Variant Classification Scheme 2023. Collection method: clinical testing. Allele origin: germline.
Comment: The p.G871A variant (also known as c.2612G>C), located in coding exon 15 of the MYLK gene, results from a G to C substitution at nucleotide position 2612. The glycine at codon 871 is replaced by alanine, an amino acid with similar properties. This amino acid position is conserved. In addition, the in silico prediction for this alteration is inconclusive. Based on the available evidence, the clinical significance of this variant remains unclear.